The following is an entry in ClinVar:

NM_000064.4(C3):c.2669C>G (p.Pro890Arg)

Gene: C3 (complement C3; minus strand). Cytogenetic location: 19p13.3.
Variant type: single nucleotide variant.
Coding change: c.2669C>G on transcript NM_000064.4 (MANE Select); coding-DNA position 2669, C replaced by G.
Protein change: p.Pro890Arg; replaces proline 890 with arginine.
Molecular consequence: missense variant.
Genome position (GRCh38, 1-based): chr19:6,697,471, G>C on the plus strand (C>G on the coding strand, the complement: C3 is on the minus strand). VCF-style: chr19-6697471-G-C. GRCh37 (hg19) VCF-style: chr19-6697482-G-C.
Other names: p.Pro890Arg; short protein forms P890R.
Identifiers: ClinVar variation 1502901 (VCV001502901.7), dbSNP rs753876258, ClinGen allele CA9129005.

ClinVar aggregate classification (germline): Uncertain significance. Review status: criteria provided, multiple submitters, no conflicts (2 of 4 stars). 2 submissions from 2 submitters: Uncertain significance (2). Last evaluated 2025-10-05.

gnomAD v4.1: 22 of 1,613,828 alleles (0.0014%); highest among the groups gnomAD compares: African/African-American, 0.008%; no homozygotes.

Submissions (2):

Labcorp Genetics (formerly Invitae), Labcorp
Classification: Uncertain significance. Last evaluated: 2025-10-05. Review status: criteria provided, single submitter. Criteria: Invitae Variant Classification Sherloc (09022015). Collection method: clinical testing. Allele origin: germline.
Comment: This sequence change replaces proline, which is neutral and non-polar, with arginine, which is basic and polar, at codon 890 of the C3 protein (p.Pro890Arg). This variant is present in population databases (rs753876258, gnomAD 0.008%). This variant has not been reported in the literature in individuals affected with C3-related conditions. ClinVar contains an entry for this variant (Variation ID: 1502901). Invitae Evidence Modeling of protein sequence and biophysical properties (such as structural, functional, and spatial information, amino acid conservation, physicochemical variation, residue mobility, and thermodynamic stability) indicates that this missense variant is not expected to disrupt C3 protein function with a negative predictive value of 80%. In summary, the available evidence is currently insufficient to determine the role of this variant in disease. Therefore, it has been classified as a Variant of Uncertain Significance.

Mayo Clinic Laboratories, Mayo Clinic
Classification: Uncertain significance. Last evaluated: 2023-03-16. Review status: criteria provided, single submitter. Criteria: ACMG Guidelines, 2015. Collection method: clinical testing. Allele origin: germline. Observed: 1 variant allele.
Comment: BP4